The following is an entry in ClinVar:

ClinVar aggregate classification (germline): Uncertain significance (1 of 4 stars; one submission).

Submission:

GeneDx
Classification: Uncertain significance. Last evaluated: 2024-03-05. Review status: criteria provided, single submitter. Criteria: GeneDx Variant Classification Process June 2021. Collection method: clinical testing. Allele origin: germline. Affected: yes.
Comment: Not observed at significant frequency in large population cohorts (gnomAD); In silico analysis supports that this missense variant has a deleterious effect on protein structure/function; Has not been previously published as pathogenic or benign to our knowledge

NM_005422.4(TECTA):c.4474G>C (p.Gly1492Arg)

Genes: TBCEL-TECTA (TBCEL-TECTA readthrough; plus strand), TECTA (tectorin alpha; plus strand). Cytogenetic location: 11q23.3.
Variant type: single nucleotide variant.
Coding change: c.4474G>C on transcript NM_005422.4 (MANE Select); coding-DNA position 4474, G replaced by C.
Protein change: p.Gly1492Arg; replaces glycine 1492 with arginine.
Molecular consequence: missense variant.
Genome position (GRCh38, 1-based): chr11:121,158,009, G>C. VCF-style: chr11-121158009-G-C. GRCh37 (hg19) VCF-style: chr11-121028718-G-C.
Other names: c.5431G>C, p.Gly1811Arg (NM_001378761.1); short protein forms G1492R, G1811R.
Identifiers: ClinVar variation 3369661 (VCV003369661.1).